The following is an entry in ClinVar:

NM_001365536.1(SCN9A):c.2180C>G (p.Ser727Cys)

Genes: SCN1A-AS1 (SCN1A and SCN9A antisense RNA 1; plus strand), SCN9A (sodium voltage-gated channel alpha subunit 9; minus strand). Cytogenetic location: 2q24.3.
Variant type: single nucleotide variant.
Coding change: c.2180C>G on transcript NM_001365536.1 (MANE Select); coding-DNA position 2180, C replaced by G.
Protein change: p.Ser727Cys; replaces serine 727 with cysteine.
Molecular consequence: missense variant.
Genome position (GRCh38, 1-based): chr2:166,280,520, G>C on the plus strand (C>G on the coding strand, the complement: SCN9A is on the minus strand). VCF-style: chr2-166280520-G-C. GRCh37 (hg19) VCF-style: chr2-167137030-G-C.
Other names: c.2147C>G, p.Ser716Cys (NM_002977.4); short protein forms S727C, S716C.
Identifiers: ClinVar variation 4782353 (VCV004782353.1).

ClinVar aggregate classification (germline): Uncertain significance (1 of 4 stars; one submission).

Conditions:
Neuropathy, hereditary sensory and autonomic, type 2A (HSAN2A). Also called: ACROOSTEOLYSIS, GIACCAI TYPE; ACROOSTEOLYSIS, NEUROGENIC; WNK1-Related HSAN2 (HSAN2A); NEUROPATHY, HEREDITARY SENSORY RADICULAR, AUTOSOMAL RECESSIVE; MORVAN DISEASE; NEUROPATHY, CONGENITAL SENSORY. Identifiers: Orphanet 970, MedGen C2752089, MONDO:0024309, OMIM 201300.
Generalized epilepsy with febrile seizures plus, type 7 (GEFSP7). Also called: GEFS+, TYPE 7. Identifiers: Orphanet 36387, MedGen C2751778, MONDO:0013470, OMIM 613863.

gnomAD v4.1: 3 of 1,591,484 alleles (0.00019%); highest among the groups gnomAD compares: South Asian, 0.0023%; no homozygotes.

Submission:

Labcorp Genetics (formerly Invitae), Labcorp
Classification: Uncertain significance for Neuropathy, hereditary sensory and autonomic, type 2A; Generalized epilepsy with febrile seizures plus, type 7. Last evaluated: 2025-08-18. Review status: criteria provided, single submitter. Criteria: Invitae Variant Classification Sherloc (09022015). Collection method: clinical testing. Allele origin: germline.
Comment: This sequence change replaces serine, which is neutral and polar, with cysteine, which is neutral and slightly polar, at codon 716 of the SCN9A protein (p.Ser716Cys). The frequency data for this variant in the population databases is considered unreliable, as metrics indicate poor data quality at this position in the gnomAD database. This variant has not been reported in the literature in individuals affected with SCN9A-related conditions. Invitae Evidence Modeling of protein sequence and biophysical properties (such as structural, functional, and spatial information, amino acid conservation, physicochemical variation, residue mobility, and thermodynamic stability) indicates that this missense variant is not expected to disrupt SCN9A protein function with a negative predictive value of 95%. In summary, the available evidence is currently insufficient to determine the role of this variant in disease. Therefore, it has been classified as a Variant of Uncertain Significance.